The following is an entry in ClinVar:

NM_000787.4(DBH):c.1198C>T (p.Pro400Ser)

Gene: DBH (dopamine beta-hydroxylase; plus strand). Cytogenetic location: 9q34.2.
Variant type: single nucleotide variant.
Coding change: c.1198C>T on transcript NM_000787.4 (MANE Select); coding-DNA position 1198, C replaced by T.
Protein change: p.Pro400Ser; replaces proline 400 with serine.
Molecular consequence: missense variant.
Genome position (GRCh38, 1-based): chr9:133,651,640, C>T. VCF-style: chr9-133651640-C-T. GRCh37 (hg19) VCF-style: chr9-136516762-C-T.
Other names: short protein forms P400S.
Identifiers: ClinVar variation 445788 (VCV000445788.12), dbSNP rs200798319, ClinGen allele CA5313377.

ClinVar aggregate classification (germline): Uncertain significance. Review status: criteria provided, multiple submitters, no conflicts (2 of 4 stars). 5 submissions from 5 submitters: Uncertain significance (5). Last evaluated 2024-07-15.

Conditions:
Inborn genetic diseases. Identifiers: MedGen C0950123, MeSH D030342.
Orthostatic hypotension 1 (ORTHYP1). Also called: Orthostatic hypotension 1, due to DBH deficiency; NORADRENALINE DEFICIENCY; NOREPINEPHRINE DEFICIENCY; Dopamine beta-hydroxylase deficiency. Identifiers: Orphanet 230, MedGen C4746777, MONDO:0009123, OMIM 223360.

Allele frequency attached by ClinVar (database versions not stated): ExAC 0.00008; gnomAD exomes 0.00008 and 0.00024; TOPMed 0.00010; gnomAD 0.00011 and 0.00012; 1000 Genomes Project 30x 0.00016; 1000 Genomes Project 0.00020.

Submissions (5):

Ambry Genetics
Classification: Uncertain significance for Inborn genetic diseases. Last evaluated: 2024-07-15. Review status: criteria provided, single submitter. Criteria: Ambry Variant Classification Scheme 2023. Collection method: clinical testing. Allele origin: germline.

Labcorp Genetics (formerly Invitae), Labcorp
Classification: Uncertain significance for Orthostatic hypotension 1. Last evaluated: 2021-09-17. Review status: criteria provided, single submitter. Criteria: Invitae Variant Classification Sherloc (09022015). Collection method: clinical testing. Allele origin: germline.
Comment: This sequence change replaces proline with serine at codon 400 of the DBH protein (p.Pro400Ser). The proline residue is highly conserved and there is a moderate physicochemical difference between proline and serine. This variant is present in population databases (rs200798319, ExAC 0.02%). This variant has not been reported in the literature in individuals affected with DBH-related conditions. ClinVar contains an entry for this variant (Variation ID: 445788). Algorithms developed to predict the effect of missense changes on protein structure and function are either unavailable or do not agree on the potential impact of this missense change (SIFT: "Deleterious"; PolyPhen-2: "Possibly Damaging"; Align-GVGD: "Class C0"). In summary, the available evidence is currently insufficient to determine the role of this variant in disease. Therefore, it has been classified as a Variant of Uncertain Significance.

Illumina Laboratory Services, Illumina
Classification: Uncertain significance for Orthostatic hypotension 1. Last evaluated: 2018-01-13. Review status: criteria provided, single submitter. Criteria: ICSL Variant Classification Criteria 13 December 2019. Collection method: clinical testing. Allele origin: germline.

Center for Pediatric Genomic Medicine, Children's Mercy Hospital and Clinics
Classification: Uncertain significance. Last evaluated: 2017-05-19. Review status: criteria provided, single submitter. Criteria: ACMG Guidelines, 2015. Collection method: clinical testing. Allele origin: germline.

Breakthrough Genomics
Classification: Uncertain significance. Review status: criteria provided, single submitter. Criteria: ACMG Guidelines, 2015. Collection method: not provided. Allele origin: germline. Inheritance: Autosomal recessive inheritance. Affected: yes.